The following is an entry in ClinVar:

NM_000052.7(ATP7A):c.1138G>A (p.Val380Met)

Gene: ATP7A (ATPase copper transporting alpha; plus strand). Cytogenetic location: Xq21.1.
Variant type: single nucleotide variant.
Coding change: c.1138G>A on transcript NM_000052.7 (MANE Select); coding-DNA position 1138, G replaced by A.
Protein change: p.Val380Met; replaces valine 380 with methionine.
Molecular consequence: missense variant.
Genome position (GRCh38, 1-based): chrX:77,989,760, G>A. VCF-style: chrX-77989760-G-A. GRCh37 (hg19) VCF-style: chrX-77245256-G-A.
Other names: c.1138G>A, p.Val380Met (NM_001282224.2); c.1138G>A (NM_000052.6); short protein forms V380M.
Identifiers: ClinVar variation 807776 (VCV000807776.51), dbSNP rs149523862, ClinGen allele CA10458997.

ClinVar aggregate classification (germline): Conflicting classifications of pathogenicity. Review status: criteria provided, conflicting classifications (1 of 4 stars). 4 submissions from 4 submitters: Uncertain significance (1); Benign (1); Likely benign (1). 1 of the submissions does not count toward it. Last evaluated 2025-11-03.

Conditions:
ATP7A-related disorder. Also called: ATP7A-related condition.
Menkes kinky-hair syndrome (MNK). Also called: Copper transport disease; Menkes Disease; Classic Menkes Disease. Identifiers: Orphanet 565, MedGen C0022716, MONDO:0010651, OMIM 309400.
X-linked distal spinal muscular atrophy type 3. Also called: ATP7A-Related Distal Motor Neuropathy; NEURONOPATHY, DISTAL HEREDITARY MOTOR, X-LINKED; NEUROPATHY, DISTAL HEREDITARY MOTOR, X-LINKED; SPINAL MUSCULAR ATROPHY, DISTAL, X-LINKED RECESSIVE. Identifiers: Orphanet 139557, MedGen C1845359, MONDO:0010338, OMIM 300489.
Cutis laxa, X-linked (OHS). Also called: EDS IX; Occipital horn syndrome. Identifiers: Orphanet 198, MedGen C0268353, MONDO:0010572, OMIM 304150.

Allele frequency attached by ClinVar (database versions not stated): gnomAD exomes 0.00002 and 0.00006; ExAC 0.00006; gnomAD 0.00012; TOPMed 0.00017; ESP Exome Variant Server 0.00019; 1000 Genomes Project 0.00026; 1000 Genomes Project 30x 0.00042.

Submissions (4):

Labcorp Genetics (formerly Invitae), Labcorp
Classification: Benign for X-linked distal spinal muscular atrophy type 3; Cutis laxa, X-linked; Menkes kinky-hair syndrome. Last evaluated: 2025-11-03. Review status: criteria provided, single submitter. Criteria: Invitae Variant Classification Sherloc (09022015). Collection method: clinical testing. Allele origin: germline.

ARUP Laboratories, Molecular Genetics and Genomics, ARUP Laboratories
Classification: Uncertain significance. Last evaluated: 2024-05-07. Review status: criteria provided, single submitter. Criteria: ARUP Molecular Germline Variant Investigation Process 2024. Collection method: clinical testing. Allele origin: germline.
Comment: The ATP7A c.1138G>A; p.Val380Met variant (rs149523862), to our knowledge, is not reported in the medical literature but is reported in ClinVar (Variation ID: 807776). This variant is found in the African population with an allele frequency of 0.06% (12/19,047 alleles, including 5 hemizygotes) in the Genome Aggregation Database (v2.1.1). Computational analyses are uncertain whether this variant is neutral or deleterious (REVEL: 0.329). Due to limited information, the clinical significance of this variant is uncertain at this time.

CeGaT Center for Human Genetics Tuebingen
Classification: Likely benign. Last evaluated: 2023-10-01. Review status: criteria provided, single submitter. Criteria: CeGaT Center For Human Genetics Tuebingen Variant Classification Criteria Version 2. Collection method: clinical testing. Allele origin: germline. Affected: yes. Observed: 2 variant alleles.
Comment: ATP7A: BS2

PreventionGenetics, part of Exact Sciences
Classification: Likely benign for ATP7A-related condition. Last evaluated: 2019-03-20. Review status: no assertion criteria provided. Collection method: clinical testing. Allele origin: germline. Not counted in ClinVar's aggregate classification.
Comment: This variant is classified as likely benign based on ACMG/AMP sequence variant interpretation guidelines (Richards et al. 2015 PMID: 25741868, with internal and published modifications).